The following is an entry in ClinVar:

NM_032043.3(BRIP1):c.2436T>G (p.Pro812=)

Gene: BRIP1 (BRCA1 interacting DNA helicase 1; minus strand). Cytogenetic location: 17q23.2.
Variant type: single nucleotide variant.
Coding change: c.2436T>G on transcript NM_032043.3 (MANE Select); coding-DNA position 2436, T replaced by G.
Protein change: p.Pro812=; no amino-acid change (proline 812 retained).
Molecular consequence: synonymous variant.
Genome position (GRCh38, 1-based): chr17:61,716,007, A>C on the plus strand (T>G on the coding strand, the complement: BRIP1 is on the minus strand). VCF-style: chr17-61716007-A-C. GRCh37 (hg19) VCF-style: chr17-59793368-A-C.
Identifiers: ClinVar variation 3379154 (VCV003379154.1).
Genomic context (GRCh38, chr17:61,716,007, plus strand): 5'-TTACCTACCAAGGGCCTGGTTTAAGGCCCTGTATGCTTGAATTTCATACCACTGACGGCC[A>C]GGTAGAAGACCTCTCAATTTTGAATGGTGGTCATTGTATTGTCGTTTTAGTTCAACCTAA-3'
Protein context (NP_114432.2, residues 802-822): DHHSKLRGLL[Pro812=]GRQWYEIQAY

ClinVar aggregate classification (germline): Benign (1 of 4 stars; one submission).

Conditions:
Familial cancer of breast. Also called: hereditary breast carcinoma; Hereditary breast cancer; BREAST CANCER, FAMILIAL. Identifiers: Orphanet 227535, MedGen C0346153, MONDO:0016419, OMIM 114480. Disease mechanism: loss of function.

Submission:

Myriad Genetics, Inc.
Classification: Benign for Familial cancer of breast. Last evaluated: 2024-09-05. Review status: criteria provided, single submitter. Criteria: Myriad Autosomal Dominant, Autosomal Recessive and X-Linked Classification Criteria (2023). Collection method: clinical testing. Allele origin: unknown.
Comment: This variant is considered benign. This variant is a silent/synonymous amino acid change and it is not expected to impact splicing.